The following is an entry in ClinVar:

NM_004698.4(PRPF3):c.1180A>C (p.Ile394Leu)

Gene: PRPF3 (pre-mRNA processing factor 3; plus strand). Cytogenetic location: 1q21.2.
Variant type: single nucleotide variant.
Coding change: c.1180A>C on transcript NM_004698.4 (MANE Select); coding-DNA position 1180, A replaced by C.
Protein change: p.Ile394Leu; replaces isoleucine 394 with leucine.
Molecular consequence: missense variant. On other transcripts: non-coding transcript variant (4).
Genome position (GRCh38, 1-based): chr1:150,338,304, A>C. VCF-style: chr1-150338304-A-C. GRCh37 (hg19) VCF-style: chr1-150310780-A-C.
Other names: c.775A>C, p.Ile259Leu (NM_001350529.1); short protein forms I259L, I394L.
Identifiers: ClinVar variation 1482539 (VCV001482539.8), dbSNP rs2101990462, ClinGen allele CA342297367.

ClinVar aggregate classification (germline): Uncertain significance (1 of 4 stars; one submission).

Submission:

Labcorp Genetics (formerly Invitae), Labcorp
Classification: Uncertain significance. Last evaluated: 2022-08-23. Review status: criteria provided, single submitter. Criteria: Invitae Variant Classification Sherloc (09022015). Collection method: clinical testing. Allele origin: germline.
Comment: This variant is not present in population databases (gnomAD no frequency). In summary, the available evidence is currently insufficient to determine the role of this variant in disease. Therefore, it has been classified as a Variant of Uncertain Significance. Algorithms developed to predict the effect of missense changes on protein structure and function (SIFT, PolyPhen-2, Align-GVGD) all suggest that this variant is likely to be tolerated. ClinVar contains an entry for this variant (Variation ID: 1482539). This variant has not been reported in the literature in individuals affected with PRPF3-related conditions. This sequence change replaces isoleucine, which is neutral and non-polar, with leucine, which is neutral and non-polar, at codon 394 of the PRPF3 protein (p.Ile394Leu).